The following is an entry in ClinVar:

NM_000136.3(FANCC):c.1448C>G (p.Ala483Gly)

Genes: AOPEP (aminopeptidase O (putative); plus strand), FANCC (FA complementation group C; minus strand). Cytogenetic location: 9q22.32.
Variant type: single nucleotide variant.
Coding change: c.1448C>G on transcript NM_000136.3 (MANE Select); coding-DNA position 1448, C replaced by G.
Protein change: p.Ala483Gly; replaces alanine 483 with glycine.
Molecular consequence: missense variant.
Genome position (GRCh38, 1-based): chr9:95,107,151, G>C on the plus strand (C>G on the coding strand, the complement: FANCC is on the minus strand). VCF-style: chr9-95107151-G-C. GRCh37 (hg19) VCF-style: chr9-97869433-G-C.
Other names: c.1448C>G, p.Ala483Gly (NM_001243743.2); short protein forms A483G.
Identifiers: ClinVar variation 4870969 (VCV004870969.1).

ClinVar aggregate classification (germline): Uncertain significance (1 of 4 stars; one submission).

Conditions:
Hereditary cancer-predisposing syndrome. Also called: Neoplastic Syndromes, Hereditary; Hereditary Cancer Syndrome; Hereditary neoplastic syndrome; Tumor predisposition. Identifiers: Orphanet 140162, MedGen C0027672, MeSH D009386, MONDO:0015356.

Submission:

Ambry Genetics
Classification: Uncertain significance for Hereditary cancer-predisposing syndrome. Last evaluated: 2026-06-09. Review status: criteria provided, single submitter. Criteria: Ambry Variant Classification Scheme 2023. Collection method: clinical testing. Allele origin: germline.
Comment: The p.A483G variant (also known as c.1448C>G), located in coding exon 13 of the FANCC gene, results from a C to G substitution at nucleotide position 1448. The alanine at codon 483 is replaced by glycine, an amino acid with similar properties. This amino acid position is conserved. In addition, this alteration is predicted to be tolerated by in silico analysis. Based on the available evidence, the clinical significance of this variant remains unclear.